The following is an entry in ClinVar:

ClinVar aggregate classification (germline): Conflicting classifications of pathogenicity. Review status: criteria provided, conflicting classifications (1 of 4 stars). 8 submissions from 8 submitters: Uncertain significance (2); Benign (2); Likely benign (3). 1 of the submissions does not count toward it. Last evaluated 2026-05-01.

Conditions:
Usher syndrome type 1C. Also called: USHER SYNDROME, TYPE I, ACADIAN VARIETY. Identifiers: Orphanet 231169, Orphanet 886, MedGen C1848604, MONDO:0010171, OMIM 276904.

Allele frequency attached by ClinVar (database versions not stated): gnomAD exomes 0.00015 and 0.00028; ExAC 0.00041; ESP Exome Variant Server 0.00154; gnomAD 0.00162 and 0.00170; TOPMed 0.00179; 1000 Genomes Project 0.00220; 1000 Genomes Project 30x 0.00234.
gnomAD v4.1: 466 of 1,613,020 alleles (0.029%); highest among the groups gnomAD compares: African/African-American, 0.56%; 2 homozygotes.

Submissions (8):

CeGaT Center for Human Genetics Tuebingen
Classification: Likely benign. Last evaluated: 2026-05-01. Review status: criteria provided, single submitter. Criteria: CeGaT Center For Human Genetics Tuebingen Variant Classification Criteria Version 2. Collection method: clinical testing. Allele origin: germline. Affected: yes. Observed: 1 variant allele.
Comment: USH1C: BP4

Labcorp Genetics (formerly Invitae), Labcorp
Classification: Benign. Last evaluated: 2026-01-22. Review status: criteria provided, single submitter. Criteria: Invitae Variant Classification Sherloc (09022015). Collection method: clinical testing. Allele origin: germline.

Blueprint Genetics
Classification: Likely benign. Last evaluated: 2024-02-19. Review status: criteria provided, single submitter. Criteria: ACMG Guidelines, 2015. Collection method: clinical testing. Allele origin: germline.

GeneDx
Classification: Likely benign. Last evaluated: 2021-05-06. Review status: criteria provided, single submitter. Criteria: GeneDx Variant Classification Process June 2021. Collection method: clinical testing. Allele origin: germline. Affected: yes.

Illumina Laboratory Services, Illumina
Classification: Uncertain significance for Usher syndrome type 1C. Last evaluated: 2018-01-13. Review status: criteria provided, single submitter. Criteria: ICSL Variant Classification Criteria 13 December 2019. Collection method: clinical testing. Allele origin: germline.

Eurofins Ntd Llc (ga)
Classification: Uncertain significance. Last evaluated: 2016-09-07. Review status: criteria provided, single submitter. Criteria: EGL Classification Definitions 2015. Collection method: clinical testing. Allele origin: germline. Observed: 1 variant allele, 1 heterozygote.

Laboratory for Molecular Medicine, Mass General Brigham Personalized Medicine
Classification: Benign. Last evaluated: 2016-08-02. Review status: criteria provided, single submitter. Criteria: LMM Criteria. Collection method: clinical testing. Allele origin: germline. Observed: 2 variant alleles.
Comment: c.674+4G>A in exon 08 of USH1C: This variant is not expected to have clinical si gnificance because it has been identified in 0.5% (47/9960) of African chromosom es by the Exome Aggregation Consortium (ExAC; db SNP rs202095395).

Natera, Inc.
Classification: Benign for Usher syndrome type 1C. Last evaluated: 2019-10-21. Review status: no assertion criteria provided. Collection method: clinical testing. Allele origin: germline. Not counted in ClinVar's aggregate classification.

NM_153676.4(USH1C):c.674+4G>A

Gene: USH1C (USH1 protein network component harmonin; minus strand). Cytogenetic location: 11p15.1.
Variant type: single nucleotide variant.
Coding change: c.674+4G>A on transcript NM_153676.4 (MANE Select); 4 bases into the intron after coding-DNA position 674, G replaced by A.
Molecular consequence: intron variant.
Genome position (GRCh38, 1-based): chr11:17,526,343, C>T on the plus strand (G>A on the coding strand, the complement: USH1C is on the minus strand). VCF-style: chr11-17526343-C-T. GRCh37 (hg19) VCF-style: chr11-17547890-C-T.
Other names: c.674+4G>A (NM_001297764.2, NM_005709.4).
Identifiers: ClinVar variation 178642 (VCV000178642.30), dbSNP rs202095395, ClinGen allele CA182720.